The following is an entry in ClinVar:

ClinVar aggregate classification (germline): Uncertain significance. Review status: criteria provided, multiple submitters, no conflicts (2 of 4 stars). 4 submissions from 4 submitters: Uncertain significance (4). Last evaluated 2025-10-15.

Conditions:
Landau-Kleffner syndrome (FESD). Also called: EPILEPSY, FOCAL, WITH SPEECH DISORDER AND WITH OR WITHOUT MENTAL RETARDATION; APHASIA, ACQUIRED, WITH EPILEPSY. Identifiers: Orphanet 1945, Orphanet 725, Orphanet 98818, MedGen C0282512, MONDO:0009509, OMIM 245570.

Allele frequency attached by ClinVar (database versions not stated): gnomAD 0.00001 and 0.00002; TOPMed 0.00001; gnomAD exomes 0.00004; ExAC 0.00006.
gnomAD v4.1: 21 of 1,613,946 alleles (0.0013%); highest among the groups gnomAD compares: South Asian, 0.0044%; no homozygotes.

Submissions (4):

Labcorp Genetics (formerly Invitae), Labcorp
Classification: Uncertain significance for Landau-Kleffner syndrome. Last evaluated: 2025-10-15. Review status: criteria provided, single submitter. Criteria: Invitae Variant Classification Sherloc (09022015). Collection method: clinical testing. Allele origin: germline.
Comment: This sequence change replaces alanine, which is neutral and non-polar, with valine, which is neutral and non-polar, at codon 290 of the GRIN2A protein (p.Ala290Val). This variant is present in population databases (rs199528312, gnomAD 0.04%). This missense change has been observed in individual(s) with rolandic epilepsy (PMID: 23933819). ClinVar contains an entry for this variant (Variation ID: 205645). Invitae Evidence Modeling of protein sequence and biophysical properties (such as structural, functional, and spatial information, amino acid conservation, physicochemical variation, residue mobility, and thermodynamic stability) indicates that this missense variant is not expected to disrupt GRIN2A protein function with a negative predictive value of 80%. Experimental studies have shown that this missense change does not substantially affect GRIN2A function (PMID: 27288002). In summary, the available evidence is currently insufficient to determine the role of this variant in disease. Therefore, it has been classified as a Variant of Uncertain Significance.

Department of Pathology and Laboratory Medicine, Sinai Health System
Classification: Uncertain significance for Landau-Kleffner syndrome. Last evaluated: 2021-07-30. Review status: criteria provided, single submitter. Criteria: ACMG Guidelines, 2015. Collection method: research. Allele origin: germline.

Mendelics
Classification: Uncertain significance for Landau-Kleffner syndrome. Last evaluated: 2019-05-28. Review status: criteria provided, single submitter. Criteria: Mendelics Assertion Criteria 2017. Collection method: clinical testing. Allele origin: unknown.

GeneDx
Classification: Uncertain significance. Last evaluated: 2013-11-27. Review status: criteria provided, single submitter. Criteria: GeneDx Variant Classification (06012015). Collection method: clinical testing. Allele origin: germline. Affected: yes.
Comment: p.Ala290Val (GCG>GTG): c.869 C>T in exon 4 of the GRIN2A gene (NM_000833.3). The Ala290Val missense change has not been published as a mutation, nor has it been reported as a benign polymorphism to our knowledge. It was not observed in approximately 6,500 individuals of European and African American ancestry in the NHLBI Exome Sequencing Project, indicating it is not a common benign variant in these populations. This variant is a conservative substitution of one uncharged, non-polar amino acid for another at a position that is not highly conserved across species. However, in silico analysis predicts this variant is probably damaging to the protein structure/function. Therefore, based on the currently available information, it is unclear whether Ala290Val is a disease-causing mutation or a rare benign variant. The variant is found in INFANT-EPI panel(s).

Literature cited by the submitters: PubMed 23933819 (cited by Labcorp Genetics (formerly Invitae), Labcorp); PubMed 27288002 (cited by Labcorp Genetics (formerly Invitae), Labcorp).

NM_001134407.3(GRIN2A):c.869C>T (p.Ala290Val)

Gene: GRIN2A (glutamate ionotropic receptor NMDA type subunit 2A; minus strand). Cytogenetic location: 16p13.2.
Variant type: single nucleotide variant.
Coding change: c.869C>T on transcript NM_001134407.3 (MANE Select); coding-DNA position 869, C replaced by T.
Protein change: p.Ala290Val; replaces alanine 290 with valine.
Molecular consequence: missense variant.
Genome position (GRCh38, 1-based): chr16:9,938,097, G>A on the plus strand (C>T on the coding strand, the complement: GRIN2A is on the minus strand). VCF-style: chr16-9938097-G-A. GRCh37 (hg19) VCF-style: chr16-10031954-G-A.
Other names: p.A290V:GCG>GTG; c.869C>T, p.Ala290Val (NM_000833.5, NM_001134408.2); short protein forms A290V.
Identifiers: ClinVar variation 205645 (VCV000205645.10), dbSNP rs199528312, ClinGen allele CA314926.